The following is an entry in ClinVar:

ClinVar aggregate classification (germline): Benign (1 of 4 stars; one submission).

Allele frequency attached by ClinVar (database versions not stated): 1000 Genomes Project 30x 0.14803; 1000 Genomes Project 0.15455; TOPMed 0.23068; gnomAD 0.24381 and 0.24533.
gnomAD v4.1: 37,256 of 152,136 alleles (24%); highest among the groups gnomAD compares: Non-Finnish European, 36%; 5,860 homozygotes.

Submission:

GeneDx
Classification: Benign. Last evaluated: 2018-06-14. Review status: criteria provided, single submitter. Criteria: GeneDx Variant Classification (06012015). Collection method: clinical testing. Allele origin: germline. Affected: yes.
Comment: This variant is considered likely benign or benign based on one or more of the following criteria: it is a conservative change, it occurs at a poorly conserved position in the protein, it is predicted to be benign by multiple in silico algorithms, and/or has population frequency not consistent with disease.

NM_000256.3(MYBPC3):c.1790+257C>T

Gene: MYBPC3 (myosin binding protein C3; minus strand). Cytogenetic location: 11p11.2.
Variant type: single nucleotide variant.
Coding change: c.1790+257C>T on transcript NM_000256.3 (MANE Select); 257 bases into the intron after coding-DNA position 1790, C replaced by T.
Molecular consequence: intron variant.
Genome position (GRCh38, 1-based): chr11:47,341,734, G>A on the plus strand (C>T on the coding strand, the complement: MYBPC3 is on the minus strand). VCF-style: chr11-47341734-G-A. GRCh37 (hg19) VCF-style: chr11-47363285-G-A.
Identifiers: ClinVar variation 680646 (VCV000680646.1), dbSNP rs10838696, ClinGen allele CA13483941.